The following is an entry in ClinVar:

ClinVar aggregate classification (germline): Pathogenic/Likely pathogenic. Review status: criteria provided, multiple submitters, no conflicts (2 of 4 stars). 2 submissions from 2 submitters: Pathogenic (1); Likely pathogenic (1). Last evaluated 2024-10-02.

Conditions:
Hypertrophic cardiomyopathy 4. Also called: Familial hypertrophic cardiomyopathy 4. Identifiers: MedGen C1861862, MONDO:0007268, OMIM 115197.

Submissions (2):

Institute of Human Genetics, University of Leipzig Medical Center
Classification: Pathogenic for Hypertrophic cardiomyopathy 4. Last evaluated: 2024-10-02. Review status: criteria provided, single submitter. Criteria: ACMG Guidelines, 2015. Collection method: clinical testing. Allele origin: unknown. Inheritance: Autosomal dominant inheritance. Affected: yes.
Comment: Criteria applied: PVS1,PM2

3billion
Classification: Likely pathogenic for Hypertrophic cardiomyopathy 4. Last evaluated: 2022-09-01. Review status: criteria provided, single submitter. Criteria: ACMG Guidelines, 2015. Collection method: clinical testing. Allele origin: germline. Affected: yes. Observed: 1 heterozygote.
Comment: The variant is not observed in the gnomAD v2.1.1 dataset. Frameshift variant is predicted to result in a loss or disruption of normal protein function through nonsense-mediated decay (NMD) or protein truncation. Multiple pathogenic variants are reported downstream of the variant. Therefore, this variant is classified as Likely pathogenic according to the recommendation of ACMG/AMP guideline.

NM_000256.3(MYBPC3):c.1595dup (p.Gln533fs)

Gene: MYBPC3 (myosin binding protein C3; minus strand). Cytogenetic location: 11p11.2.
Variant type: Duplication.
Coding change: c.1595dup on transcript NM_000256.3 (MANE Select); coding-DNA position 1595, one base duplicated (G; older notation c.1595dupG).
Protein change: p.Gln533fs; shifts the reading frame from glutamine 533.
Molecular consequence: frameshift variant.
Genome position (GRCh38, 1-based): chr11:47,342,607, C duplicated on the plus strand (G on the coding strand, the reverse complement: MYBPC3 is on the minus strand); the first of 5 consecutive C bases (chr11:47,342,607-47,342,611); duplicating any one gives the same sequence. VCF-style (leftmost placement, unchanged base first): chr11-47342606-G-GC. GRCh37 (hg19) VCF-style: chr11-47364157-G-GC.
Other names: short protein forms Q533fs.
Identifiers: ClinVar variation 1705378 (VCV001705378.4), dbSNP rs730880640, ClinGen allele CA2580084245.